The following is an entry in ClinVar:

NM_002900.3(RBP3):c.1427T>C (p.Met476Thr)

Gene: RBP3 (retinol binding protein 3; plus strand). Cytogenetic location: 10q11.22.
Variant type: single nucleotide variant.
Coding change: c.1427T>C on transcript NM_002900.3 (MANE Select); coding-DNA position 1427, T replaced by C.
Protein change: p.Met476Thr; replaces methionine 476 with threonine.
Molecular consequence: missense variant.
Genome position (GRCh38, 1-based): chr10:47,349,911, T>C. VCF-style: chr10-47349911-T-C. GRCh37 (hg19) VCF-style: chr10-48389451-A-G.
Other names: short protein forms M476T.
Identifiers: ClinVar variation 838004 (VCV000838004.9), dbSNP rs782443446, ClinGen allele CA5487524.

ClinVar aggregate classification (germline): Uncertain significance (1 of 4 stars; one submission).

Allele frequency attached by ClinVar (database versions not stated): TOPMed below 0.00001; gnomAD 0.00001; gnomAD exomes 0.00001; ExAC 0.00003.

Submission:

Labcorp Genetics (formerly Invitae), Labcorp
Classification: Uncertain significance. Last evaluated: 2019-11-25. Review status: criteria provided, single submitter. Criteria: Invitae Variant Classification Sherloc (09022015). Collection method: clinical testing. Allele origin: germline.
Comment: In summary, the available evidence is currently insufficient to determine the role of this variant in disease. Therefore, it has been classified as a Variant of Uncertain Significance. Algorithms developed to predict the effect of missense changes on protein structure and function are either unavailable or do not agree on the potential impact of this missense change (SIFT: "Deleterious"; PolyPhen-2: "Benign"; Align-GVGD: "Class C0"). This variant has not been reported in the literature in individuals with RBP3-related conditions. This variant is present in population databases (rs782443446, ExAC 0.005%). This sequence change replaces methionine with threonine at codon 476 of the RBP3 protein (p.Met476Thr). The methionine residue is moderately conserved and there is a moderate physicochemical difference between methionine and threonine.